The following is an entry in ClinVar:

ClinVar aggregate classification (germline): Uncertain significance (1 of 4 stars; one submission).

Allele frequency attached by ClinVar (database versions not stated): gnomAD exomes below 0.00001.
gnomAD v4.1: 1 of 1,612,182 alleles (0.000062%); highest among the groups gnomAD compares: Non-Finnish European, 0.000085%; no homozygotes.

Submission:

Labcorp Genetics (formerly Invitae), Labcorp
Classification: Uncertain significance. Last evaluated: 2025-06-12. Review status: criteria provided, single submitter. Criteria: Invitae Variant Classification Sherloc (09022015). Collection method: clinical testing. Allele origin: germline.
Comment: This sequence change replaces asparagine, which is neutral and polar, with serine, which is neutral and polar, at codon 386 of the APOL1 protein (p.Asn386Ser). This variant is present in population databases (no rsID available, gnomAD 0.01%). This variant has not been reported in the literature in individuals affected with APOL1-related conditions. ClinVar contains an entry for this variant (Variation ID: 2787147). An algorithm developed to predict the effect of missense changes on protein structure and function (PolyPhen-2) suggests that this variant is likely to be tolerated. In summary, the available evidence is currently insufficient to determine the role of this variant in disease. Therefore, it has been classified as a Variant of Uncertain Significance.

NM_003661.4(APOL1):c.1157A>G (p.Asn386Ser)

Gene: APOL1 (apolipoprotein L1; plus strand). Cytogenetic location: 22q12.3.
Variant type: single nucleotide variant.
Coding change: c.1157A>G on transcript NM_003661.4 (MANE Select); coding-DNA position 1157, A replaced by G.
Protein change: p.Asn386Ser; replaces asparagine 386 with serine.
Molecular consequence: missense variant.
Genome position (GRCh38, 1-based): chr22:36,265,993, A>G. VCF-style: chr22-36265993-A-G. GRCh37 (hg19) VCF-style: chr22-36662039-A-G.
Other names: c.1157A>G, p.Asn386Ser (NM_001136540.2); c.1103A>G, p.Asn368Ser (NM_001136541.2, NM_001362927.2); c.1205A>G, p.Asn402Ser (NM_145343.3); short protein forms N386S, N402S, N368S.
Identifiers: ClinVar variation 2787147 (VCV002787147.3), dbSNP rs1170435716, ClinGen allele CA411368990.